The following is an entry in ClinVar:

ClinVar aggregate classification (germline): Uncertain significance. Review status: criteria provided, multiple submitters, no conflicts (2 of 4 stars). 3 submissions from 3 submitters: Uncertain significance (2). 1 of the submissions does not count toward it. Last evaluated 2025-07-23.

Conditions:
Nail-patella syndrome (NPS). Also called: ONYCHOOSTEODYSPLASIA; TURNER-KIESER SYNDROME; FONG DISEASE. Identifiers: Orphanet 2614, MedGen C0027341, MONDO:0008061, OMIM 161200.

Submissions (3):

Labcorp Genetics (formerly Invitae), Labcorp
Classification: Uncertain significance. Last evaluated: 2025-07-23. Review status: criteria provided, single submitter. Criteria: Invitae Variant Classification Sherloc (09022015). Collection method: clinical testing. Allele origin: germline.
Comment: This sequence change falls in intron 1 of the LMX1B gene. It does not directly change the encoded amino acid sequence of the LMX1B protein. It affects a nucleotide within the consensus splice site. This variant is not present in population databases (gnomAD no frequency). This variant has been observed in individual(s) with clinical features of nail-patella syndrome (internal data). ClinVar contains an entry for this variant (Variation ID: 427734). Variants that disrupt the consensus splice site are a relatively common cause of aberrant splicing (PMID: 17576681, 9536098). Algorithms developed to predict the effect of sequence changes on RNA splicing suggest that this variant may disrupt the consensus splice site. In summary, the available evidence is currently insufficient to determine the role of this variant in disease. Therefore, it has been classified as a Variant of Uncertain Significance.

CeGaT Center for Human Genetics Tuebingen
Classification: Uncertain significance. Last evaluated: 2023-01-01. Review status: criteria provided, single submitter. Criteria: CeGaT Center For Human Genetics Tuebingen Variant Classification Criteria Version 2. Collection method: clinical testing. Allele origin: germline. Affected: yes. Observed: 1 variant allele.
Comment: LMX1B: PM2, PP3, PP4

Institute of Human Genetics, Cologne University
Classification: Uncertain significance for Nail-patella syndrome. Review status: no assertion criteria provided. Collection method: clinical testing. Allele origin: unknown. Inheritance: Autosomal dominant inheritance. Affected: yes. Observed: 1 variant allele, 1 heterozygote. Not counted in ClinVar's aggregate classification.

Literature cited by the submitters: PubMed 17576681 (cited by Labcorp Genetics (formerly Invitae), Labcorp); PubMed 9536098 (cited by Labcorp Genetics (formerly Invitae), Labcorp).

NM_001174147.2(LMX1B):c.139+5G>C

Gene: LMX1B (LIM homeobox transcription factor 1 beta; plus strand). Cytogenetic location: 9q33.3.
Variant type: single nucleotide variant.
Coding change: c.139+5G>C on transcript NM_001174147.2 (MANE Select); 5 bases into the intron after coding-DNA position 139, G replaced by C.
Molecular consequence: intron variant.
Genome position (GRCh38, 1-based): chr9:126,614,593, G>C. VCF-style: chr9-126614593-G-C. GRCh37 (hg19) VCF-style: chr9-129376872-G-C.
Other names: c.139+5G>C (NM_001174146.2, NM_002316.4).
Identifiers: ClinVar variation 427734 (VCV000427734.37), dbSNP rs1114167421, ClinGen allele CA645293877.
Genomic context (GRCh38, chr9:126,614,593, plus strand): 5'-CAAGATGGAGGAGCACGCCCTGCGCCCCGGGCCCGCCACTCTGGGGGTGCTGCTGGGTGA[G>C]TGCGGGGTCGGAACGCCCGAGTGGTCTCGGGCGTGGGATGGGGCGTCGTCCGGCTGTGGA-3'